The following is an entry in ClinVar:

NM_000057.4(BLM):c.538G>A (p.Val180Ile)

Gene: BLM (BLM RecQ like helicase; plus strand). Cytogenetic location: 15q26.1.
Variant type: single nucleotide variant.
Coding change: c.538G>A on transcript NM_000057.4 (MANE Select); coding-DNA position 538, G replaced by A.
Protein change: p.Val180Ile; replaces valine 180 with isoleucine.
Molecular consequence: missense variant. On other transcripts: 5 prime UTR variant (1).
Genome position (GRCh38, 1-based): chr15:90,749,806, G>A. VCF-style: chr15-90749806-G-A. GRCh37 (hg19) VCF-style: chr15-91293036-G-A.
Other names: c.538G>A, p.Val180Ile (NM_001287246.2, NM_001287247.2); c.-754G>A (NM_001287248.2); short protein forms V180I.
Identifiers: ClinVar variation 1747222 (VCV001747222.2), dbSNP rs2505393160, ClinGen allele CA393841007.
Genomic context (GRCh38, chr15:90,749,806, plus strand): 5'-TTTGATACTTCTGAGACTTCAAAATCATTTGTTACACCACCCCAAAGTCACTTTGTAAGA[G>A]TAAGCACTGCTCAGAAATCAAAAAAGGGTAAGAGAAACTTTTTTAAAGCACAGCTTTATA-3'
Protein context (NP_000048.1, residues 170-190): VTPPQSHFVR[Val180Ile]STAQKSKKGK

ClinVar aggregate classification (germline): Uncertain significance (1 of 4 stars; one submission).

Conditions:
Hereditary cancer-predisposing syndrome. Also called: Hereditary Cancer Syndrome; Neoplastic Syndromes, Hereditary; Tumor predisposition; Hereditary neoplastic syndrome. Identifiers: Orphanet 140162, MedGen C0027672, MeSH D009386, MONDO:0015356.

Allele frequency attached by ClinVar (database versions not stated): gnomAD exomes below 0.00001.
gnomAD v4.1: 2 of 1,605,312 alleles (0.00012%); highest among the groups gnomAD compares: South Asian, 0.0011%; no homozygotes.

Submission:

Ambry Genetics
Classification: Uncertain significance for Hereditary cancer-predisposing syndrome. Last evaluated: 2022-02-20. Review status: criteria provided, single submitter. Criteria: Ambry Variant Classification Scheme 2023. Collection method: clinical testing. Allele origin: germline.
Comment: The p.V180I variant (also known as c.538G>A), located in coding exon 2 of the BLM gene, results from a G to A substitution at nucleotide position 538. The valine at codon 180 is replaced by isoleucine, an amino acid with highly similar properties. This amino acid position is conserved. In addition, this alteration is predicted to be tolerated by in silico analysis. Since supporting evidence is limited at this time, the clinical significance of this alteration remains unclear.